The following is an entry in ClinVar:

ClinVar aggregate classification (germline): Uncertain significance (1 of 4 stars; one submission).

Conditions:
Hereditary cancer-predisposing syndrome. Also called: Neoplastic Syndromes, Hereditary; Tumor predisposition; Hereditary Cancer Syndrome; Hereditary neoplastic syndrome. Identifiers: Orphanet 140162, MedGen C0027672, MeSH D009386, MONDO:0015356.

Submission:

Ambry Genetics
Classification: Uncertain significance for Hereditary cancer-predisposing syndrome. Last evaluated: 2017-02-07. Review status: criteria provided, single submitter. Criteria: Ambry Variant Classification Scheme 2023. Collection method: clinical testing. Allele origin: germline.
Comment: The p.Q465P variant (also known as c.1394A>C), located in coding exon 9 of the RAD50 gene, results from an A to C substitution at nucleotide position 1394. The glutamine at codon 465 is replaced by proline, an amino acid with similar properties. This amino acid position is well conserved in available vertebrate species. In addition, this alteration is predicted to be tolerated by in silico analysis. Since supporting evidence is limited at this time, the clinical significance of this alteration remains unclear.

NM_005732.4(RAD50):c.1394A>C (p.Gln465Pro)

Gene: RAD50 (RAD50 double strand break repair protein; plus strand). Cytogenetic location: 5q31.1.
Variant type: single nucleotide variant.
Coding change: c.1394A>C on transcript NM_005732.4 (MANE Select); coding-DNA position 1394, A replaced by C.
Protein change: p.Gln465Pro; replaces glutamine 465 with proline.
Molecular consequence: missense variant.
Genome position (GRCh38, 1-based): chr5:132,589,779, A>C. VCF-style: chr5-132589779-A-C. GRCh37 (hg19) VCF-style: chr5-131925471-A-C.
Other names: short protein forms Q465P.
Identifiers: ClinVar variation 482139 (VCV000482139.5), dbSNP rs769473693, ClinGen allele CA360944595.